The following continues an entry in ClinVar:

NM_000018.4(ACADVL):c.343del

Gene: ACADVL. ClinVar aggregate classification (germline): Pathogenic. Pathogenic (1).

Submissions 11 to 17 of 17:

Ambry Genetics
Classification: Pathogenic for Inborn genetic diseases. Last evaluated: 2022-09-13. Review status: criteria provided, single submitter. Criteria: Ambry General Variant Classification Scheme_2022. Collection method: clinical testing. Allele origin: germline. Observed: 1 variant allele. Not counted in ClinVar's aggregate classification.
Comment: The c.343delG (p.E115Kfs*2) alteration, located in exon 6 (coding exon 6) of the ACADVL gene, consists of a deletion of one nucleotide at position 343, causing a translational frameshift with a predicted alternate stop codon after 2 amino acids. This alteration is expected to result in loss of function by premature protein truncation or nonsense-mediated mRNA decay. Based on data from gnomAD, the c.343delG allele has an overall frequency of 0.001% (4/282800) total alleles studied. The highest observed frequency was 0.004% (1/24962) of African alleles. This variant has been identified homozygous or with a second ACADVL variant in multiple individuals diagnosed with very long chain acyl-CoA dehydrogenase deficiency (Ndukwe Erlingsson, 2013; Miller, 2015; Evans, 2016; Gillingham, 2017; Elizondo, 2020; Vallejo, 2021; Olsson, 2022). Based on the available evidence, this alteration is classified as pathogenic.

Women's Health and Genetics/Laboratory Corporation of America, LabCorp
Classification: Pathogenic for Very long chain acyl-CoA dehydrogenase deficiency. Last evaluated: 2020-06-20. Review status: criteria provided, single submitter. Criteria: LabCorp Variant Classification Summary - May 2015. Collection method: clinical testing. Allele origin: germline. Not counted in ClinVar's aggregate classification.
Comment: Variant summary: ACADVL c.343delG (p.Glu115LysfsX2 also referred to as c.343-1delG) results in a premature termination codon, predicted to cause a truncation of the encoded protein or absence of the protein due to nonsense mediated decay, which are commonly known mechanisms for disease. The variant also deletes a conserved exonic nucleotide located adjacent to intron 5 splice acceptor site of the ACADVL gene: 5/5 computational tools predict no significant impact on normal splicing. However, these predictions have yet to be confirmed by functional studies. The variant was absent in 277170 control chromosomes (gnomAD). c.343delG has been reported in the literature in multiple compound heterozygous individuals affected with Very Long Chain Acyl-CoA Dehydrogenase Deficiency ( example, Strauss 1995, Mathur 1999, Evans 2016, Gillingham 2017, Ndukwe Erlingsson 2013, Olpin 2017). These data indicate that the variant is very likely to be associated with disease. Publications also reported experimental evidence evaluating an impact on protein function (example, Hesse 2018, Mathur 1999, Strauss 1995). The most pronounced variant effect results in <10% of normal activity in cell lines bearing this variant as a compound heterozygous genotype, while the variant results in 32% of normal activity in heterozygous patient fibroblasts. Three clinical diagnostic laboratories have submitted clinical-significance assessments for this variant to ClinVar after 2014 without evidence for independent evaluation. All laboratories classified the variant as pathogenic (n=2)/likely pathogenic citing overlapping evidence utilized in the context of this evaluation. Based on the evidence outlined above, the variant was classified as pathogenic.

Wong Mito Lab, Molecular and Human Genetics, Baylor College of Medicine
Classification: Pathogenic for Very long chain acyl-CoA dehydrogenase deficiency. Last evaluated: 2019-11-01. Review status: criteria provided, single submitter. Criteria: ACMG Guidelines, 2015. Collection method: clinical testing. Allele origin: germline. Not counted in ClinVar's aggregate classification.
Comment: The NM_000018.3:c.343delG (NP_000009.1:p.Glu115LysfsTer2) [GRCH38: NC_000017.11:g.7220924delG] variant in ACADVL gene is interpretated to be Pathogenic based on ACMG guidelines (PMID: 25741868). This variant has been reported in PMID: 7479827. This variant meets the following evidence codes reported in the ACMG guidelines: PVS1, PS3

GeneDx
Classification: Pathogenic. Last evaluated: 2018-09-12. Review status: criteria provided, single submitter. Criteria: GeneDx Variant Classification (06012015). Collection method: clinical testing. Allele origin: germline. Affected: yes. Not counted in ClinVar's aggregate classification.
Comment: The c.343delG variant in the ACADVL gene has been reported previously in association with very long-chain acyl-CoA dehydrogenase (VLCAD) deficiency (Strauss et al., 1995; Ndukwe et al., 2013; Evans et al., 2016). The c.343delG variant is not observed at a significant frequency in large population cohorts (Lek et al., 2016; 1000 Genomes Consortium et al., 2015; Exome Variant Server). The c.343delG variant causes a frameshift starting with codon Glutamic Acid 115, changes this amino acid to a Lysine residue and creates a premature Stop codon at position 2 of the new reading frame, denoted p.Glu115LysfsX2. The c.343delG variant is predicted to cause loss of normal protein function either through protein truncation or nonsense-mediated mRNA decay. In summary, we interpret c.343delG as pathogenic.

Eurofins Ntd Llc (ga)
Classification: Pathogenic. Last evaluated: 2013-03-18. Review status: criteria provided, single submitter. Criteria: EGL Classification Definitions. Collection method: clinical testing. Allele origin: germline. Observed: 1 variant allele, 1 heterozygote. Not counted in ClinVar's aggregate classification.

Counsyl
Classification: Likely pathogenic for Very long chain acyl-CoA dehydrogenase deficiency. Last evaluated: 2015-10-09. Review status: no assertion criteria provided. Collection method: clinical testing. Allele origin: unknown. Not counted in ClinVar's aggregate classification.

OMIM
Classification: Pathogenic for VLCAD DEFICIENCY. Last evaluated: 1995-11-07. Review status: no assertion criteria provided. Collection method: literature only. Allele origin: germline. Not counted in ClinVar's aggregate classification.

Literature cited by the submitters: PubMed 9973285 (cited by Labcorp Genetics (formerly Invitae), Labcorp); PubMed 11590124 (cited by Labcorp Genetics (formerly Invitae), Labcorp); PubMed 23867825 (cited by 4 submitters); PubMed 27246109 (cited by 4 submitters); PubMed 31031081 (cited by Victorian Clinical Genetics Services, Murdoch Childrens Research Institute); PubMed 34437764 (cited by Natera, Inc.); PubMed 28871440 (cited by 3 submitters); PubMed 35281659 (cited by Ambry Genetics); PubMed 34194748 (cited by Ambry Genetics); PubMed 26385305 (cited by Ambry Genetics); PubMed 32928639 (cited by Ambry Genetics); PubMed 30194637 (cited by Women's Health and Genetics/Laboratory Corporation of America, LabCorp); PubMed 7479827 (cited by 4 submitters); PubMed 10077518 (cited by Women's Health and Genetics/Laboratory Corporation of America, LabCorp).